The following is an entry in ClinVar:

ClinVar aggregate classification (germline): Uncertain significance (1 of 4 stars; one submission).

Conditions:
Periodic fever-infantile enterocolitis-autoinflammatory syndrome. Also called: Autoinflammation with infantile enterocolitis. Identifiers: Orphanet 436166, MedGen C4015067, MONDO:0014472, OMIM 616050.
Familial cold autoinflammatory syndrome 4 (FCAS4). Identifiers: Orphanet 47045, Orphanet 576349, MedGen C4015276, MONDO:0014498, OMIM 616115.

Submission:

Labcorp Genetics (formerly Invitae), Labcorp
Classification: Uncertain significance for Periodic fever-infantile enterocolitis-autoinflammatory syndrome; Familial cold autoinflammatory syndrome 4. Last evaluated: 2024-03-21. Review status: criteria provided, single submitter. Criteria: Invitae Variant Classification Sherloc (09022015). Collection method: clinical testing. Allele origin: germline.
Comment: This sequence change replaces glycine, which is neutral and non-polar, with alanine, which is neutral and non-polar, at codon 699 of the NLRC4 protein (p.Gly699Ala). This variant is not present in population databases (gnomAD no frequency). This variant has not been reported in the literature in individuals affected with NLRC4-related conditions. Advanced modeling of protein sequence and biophysical properties (such as structural, functional, and spatial information, amino acid conservation, physicochemical variation, residue mobility, and thermodynamic stability) has been performed at Invitae for this missense variant, however the output from this modeling did not meet the statistical confidence thresholds required to predict the impact of this variant on NLRC4 protein function. In summary, the available evidence is currently insufficient to determine the role of this variant in disease. Therefore, it has been classified as a Variant of Uncertain Significance.

NM_001199138.2(NLRC4):c.2096G>C (p.Gly699Ala)

Gene: NLRC4 (NLR family CARD domain containing 4; minus strand). Cytogenetic location: 2p22.3.
Variant type: single nucleotide variant.
Coding change: c.2096G>C on transcript NM_001199138.2 (MANE Select); coding-DNA position 2096, G replaced by C.
Protein change: p.Gly699Ala; replaces glycine 699 with alanine.
Molecular consequence: missense variant. On other transcripts: intron variant (1).
Genome position (GRCh38, 1-based): chr2:32,249,768, C>G on the plus strand (G>C on the coding strand, the complement: NLRC4 is on the minus strand). VCF-style: chr2-32249768-C-G. GRCh37 (hg19) VCF-style: chr2-32474837-C-G.
Other names: c.2096G>C, p.Gly699Ala (NM_001199139.2, NM_021209.5); c.262+2651G>C (NM_001302504.1); short protein forms G699A.
Identifiers: ClinVar variation 3748344 (VCV003748344.2).